The following is an entry in ClinVar:

ClinVar aggregate classification (germline): Conflicting classifications of pathogenicity. Review status: criteria provided, conflicting classifications (1 of 4 stars). 5 submissions from 5 submitters: Uncertain significance (2); Likely benign (1). 2 of the submissions do not count toward it. Last evaluated 2025-12-26.

Conditions:
Dilated cardiomyopathy 1G (CMD1G). Identifiers: Orphanet 154, MedGen C1858763, MONDO:0011400, OMIM 604145.
Autosomal recessive limb-girdle muscular dystrophy type 2J (LGMDR10). Also called: MUSCULAR DYSTROPHY, LIMB-GIRDLE, AUTOSOMAL RECESSIVE 10; Limb-girdle muscular dystrophy, type 2J. Identifiers: Orphanet 140922, MedGen C1837342, MONDO:0012127, OMIM 608807.

Allele frequency attached by ClinVar (database versions not stated): gnomAD 0.00001 and 0.00002; gnomAD exomes 0.00001 and 0.00002; ExAC 0.00002; TOPMed 0.00002; 1000 Genomes Project 30x 0.00031; 1000 Genomes Project 0.00040.
gnomAD v4.1: 14 of 1,613,986 alleles (0.00087%); highest among the groups gnomAD compares: East Asian, 0.02%; no homozygotes.

Submissions (5):

Labcorp Genetics (formerly Invitae), Labcorp
Classification: Uncertain significance for Dilated cardiomyopathy 1G; Autosomal recessive limb-girdle muscular dystrophy type 2J. Last evaluated: 2025-12-26. Review status: criteria provided, single submitter. Criteria: Invitae Variant Classification Sherloc (09022015). Collection method: clinical testing. Allele origin: germline.
Comment: This sequence change replaces threonine, which is neutral and polar, with alanine, which is neutral and non-polar, at codon 35017 of the TTN protein (p.Thr35017Ala). This variant is present in population databases (rs368779151, gnomAD 0.04%). This missense change has been observed in individual(s) with dilated cardiomyopathy (PMID: 29109008). This variant is also known as c.100126A>G (p.Thr33376Ala). ClinVar contains an entry for this variant (Variation ID: 203089). Experimental studies and prediction algorithms are not available or were not evaluated, and the functional significance of this variant is currently unknown. This variant is located in the M band of TTN (PMID: 25589632). Non-truncating variants in this region may be relevant for neuromuscular disorders, but have not been definitively shown to cause cardiomyopathy (PMID: 23975875). In summary, the available evidence is currently insufficient to determine the role of this variant in disease. Therefore, it has been classified as a Variant of Uncertain Significance.

Revvity Omics, Revvity
Classification: Uncertain significance. Last evaluated: 2024-10-23. Review status: criteria provided, single submitter. Criteria: ACMG Guidelines, 2015. Collection method: clinical testing. Allele origin: germline.

GeneDx
Classification: Likely benign. Last evaluated: 2020-05-20. Review status: criteria provided, single submitter. Criteria: GeneDx Variant Classification Process June 2021. Collection method: clinical testing. Allele origin: germline. Affected: yes.
Comment: This variant is associated with the following publications: (PMID: 29109008)

Clinical Genetics, Academic Medical Center
Classification: Uncertain significance. Review status: no assertion criteria provided. Collection method: clinical testing. Allele origin: germline. Affected: yes. Study: VKGL Data-share Consensus. Not counted in ClinVar's aggregate classification.

Diagnostic Laboratory, Department of Genetics, University Medical Center Groningen
Classification: Uncertain significance. Review status: no assertion criteria provided. Collection method: clinical testing. Allele origin: germline. Affected: yes. Study: VKGL Data-share Consensus. Not counted in ClinVar's aggregate classification.

Literature cited by the submitters: PubMed 29109008 (cited by Labcorp Genetics (formerly Invitae), Labcorp); PubMed 25589632 (cited by Labcorp Genetics (formerly Invitae), Labcorp); PubMed 23975875 (cited by Labcorp Genetics (formerly Invitae), Labcorp).

NM_001267550.2(TTN):c.105049A>G (p.Thr35017Ala)

Genes: TTN-AS1 (TTN antisense RNA 1; plus strand), TTN (titin; minus strand). Cytogenetic location: 2q31.2.
Variant type: single nucleotide variant.
Coding change: c.105049A>G on transcript NM_001267550.2 (MANE Select); coding-DNA position 105049, A replaced by G.
Protein change: p.Thr35017Ala; replaces threonine 35017 with alanine.
Molecular consequence: missense variant.
Genome position (GRCh38, 1-based): chr2:178,531,566, T>C on the plus strand (A>G on the coding strand, the complement: TTN is on the minus strand). VCF-style: chr2-178531566-T-C. GRCh37 (hg19) VCF-style: chr2-179396293-T-C.
Other names: p.T33376A:ACC>GCC; c.100126A>G, p.Thr33376Ala (NM_001256850.1); c.77854A>G, p.Thr25952Ala (NM_003319.4); c.97345A>G, p.Thr32449Ala (NM_133378.4); c.78229A>G, p.Thr26077Ala (NM_133432.3); c.78430A>G, p.Thr26144Ala (NM_133437.4); short protein forms T33376A, T35017A, T25952A, T26144A, T26077A, T32449A.
Identifiers: ClinVar variation 203089 (VCV000203089.11), dbSNP rs368779151, ClinGen allele CA311205.
Genomic context (GRCh38, chr2:178,531,566, plus strand): 5'-TATAATCCCCTCCTGTCACGTCCAACGTTGCATAGTCAGAAGCTTCGCCCTTGTAGTTGG[T>C]GCACACAGCACGGTAGGTTCCACTGTCATCAGTATGACAGTCCAGAATTTCCAGGGTGAG-3'
Protein context (NP_001254479.2, residues 35007-35027): DDSGTYRAVC[Thr35017Ala]NYKGEASDYA